The following is an entry in ClinVar:

ClinVar aggregate classification (germline): Conflicting classifications of pathogenicity. Review status: criteria provided, conflicting classifications (1 of 4 stars). 4 submissions from 4 submitters: Uncertain significance (3); Likely benign (1). Last evaluated 2025-12-29.

Conditions:
Fanconi anemia complementation group E (FANCE). Also called: FANCE-Related Fanconi Anemia. Identifiers: Orphanet 84, MedGen C3160739, MONDO:0010953, OMIM 600901.
Fanconi anemia (FA). Also called: Fanconi's anemia. Identifiers: Orphanet 84, MedGen C0015625, MeSH D005199, MONDO:0019391.

Allele frequency attached by ClinVar (database versions not stated): ExAC 0.00008; gnomAD exomes 0.00009; gnomAD 0.00013; TOPMed 0.00014.

Submissions (4):

Labcorp Genetics (formerly Invitae), Labcorp
Classification: Likely benign for Fanconi anemia complementation group E. Last evaluated: 2025-12-29. Review status: criteria provided, single submitter. Criteria: Invitae Variant Classification Sherloc (09022015). Collection method: clinical testing. Allele origin: germline.

Sema4
Classification: Uncertain significance for Fanconi anemia. Last evaluated: 2021-10-31. Review status: criteria provided, single submitter. Criteria: Sema4 Curation Guidelines. Collection method: curation. Allele origin: germline.
Comment: The FANCE c.274C>T (p.R92W) variant has not been reported in the literature to our knowledge. It was observed in 8/24966 chromosomes of the African/African American subpopulation in the large and broad cohorts of the Genome Aggregation Database (PMID: 32461654). The variant has been reported in ClinVar (Variation ID 471926). In silico tools suggest the impact of the variant on protein function is benign, though these predictions have not been confirmed by functional studies. The evidence is insufficient to meet ACMG/AMP criteria for classifying the variant as benign or pathogenic. Thus, the clinical significance of this variant is currently uncertain.

Genetic Services Laboratory, University of Chicago
Classification: Uncertain significance. Last evaluated: 2020-08-26. Review status: criteria provided, single submitter. Criteria: ACMG Guidelines, 2015. Collection method: clinical testing. Allele origin: germline. Affected: no.
Comment: DNA sequence analysis of the FANCE gene demonstrated a sequence change, c.274C>T, in exon 2 that results in an amino acid change, p.Arg92Trp. This sequence change does not appear to have been previously described in patients with FANCE-related disorders and has been described in the gnomAD database with a frequency of 0.032% in the African sub-population (dbSNP rs375195621). The p.Arg92Trp change affects a poorly conserved amino acid residue located in a domain of the FANCE protein that is not known to be functional. In-silico pathogenicity prediction tools (SIFT, PolyPhen2, Align GVGD, REVEL) provide contradictory results for the p.Arg92Trp substitution. Due to these contrasting evidences and the lack of functional studies, the clinical significance of the p.Arg92Trp change remains unknown at this time.

Illumina Laboratory Services, Illumina
Classification: Uncertain significance for Fanconi anemia complementation group E. Last evaluated: 2018-01-13. Review status: criteria provided, single submitter. Criteria: ICSL Variant Classification Criteria 13 December 2019. Collection method: clinical testing. Allele origin: germline.

NM_021922.3(FANCE):c.274C>T (p.Arg92Trp)

Gene: FANCE (FA complementation group E; plus strand). Cytogenetic location: 6p21.31.
Variant type: single nucleotide variant.
Coding change: c.274C>T on transcript NM_021922.3 (MANE Select); coding-DNA position 274, C replaced by T.
Protein change: p.Arg92Trp; replaces arginine 92 with tryptophan.
Molecular consequence: missense variant.
Genome position (GRCh38, 1-based): chr6:35,455,772, C>T. VCF-style: chr6-35455772-C-T. GRCh37 (hg19) VCF-style: chr6-35423549-C-T.
Other names: short protein forms R92W.
Identifiers: ClinVar variation 471926 (VCV000471926.19), dbSNP rs375195621, ClinGen allele CA3771370.